The following is an entry in ClinVar:

ClinVar aggregate classification (germline): Benign/Likely benign. Review status: criteria provided, multiple submitters, no conflicts (2 of 4 stars). 4 submissions from 4 submitters: Benign (1); Likely benign (3). Last evaluated 2025-11-09.

Conditions:
Familial thoracic aortic aneurysm and aortic dissection (TAAD). Also called: Thoracic aortic aneurysms and dissections. Identifiers: Orphanet 91387, MedGen C4707243, MONDO:0019625.
Shprintzen-Goldberg syndrome (SGS). Also called: SHPRINTZEN-GOLDBERG CRANIOSYNOSTOSIS SYNDROME; CRANIOSYNOSTOSIS WITH ARACHNODACTYLY AND ABDOMINAL HERNIAS; Marfanoid disorder with craniosynostosis type 1; Marfanoid craniosynostosis syndrome; Shprintzen-Goldberg marfanoid syndrome. Identifiers: Orphanet 2462, MedGen C1321551, MONDO:0008426, OMIM 182212.

Allele frequency attached by ClinVar (database versions not stated): gnomAD exomes 0.00013 and 0.00005; ESP Exome Variant Server 0.00008; ExAC 0.00009; gnomAD 0.00009 and 0.00011; TOPMed 0.00009.
gnomAD v4.1: 188 of 1,565,246 alleles (0.012%); highest among the groups gnomAD compares: Non-Finnish European, 0.016%; no homozygotes.

Submissions (4):

Labcorp Genetics (formerly Invitae), Labcorp
Classification: Likely benign for Shprintzen-Goldberg syndrome. Last evaluated: 2025-11-09. Review status: criteria provided, single submitter. Criteria: Invitae Variant Classification Sherloc (09022015). Collection method: clinical testing. Allele origin: germline.

Blueprint Genetics
Classification: Likely benign. Last evaluated: 2024-10-02. Review status: criteria provided, single submitter. Criteria: ACMG Guidelines, 2015. Collection method: clinical testing. Allele origin: germline.

Ambry Genetics
Classification: Likely benign for Familial thoracic aortic aneurysm and aortic dissection. Last evaluated: 2016-07-12. Review status: criteria provided, single submitter. Criteria: Ambry Variant Classification Scheme 2023. Collection method: clinical testing. Allele origin: germline.

GeneDx
Classification: Benign. Last evaluated: 2014-07-31. Review status: criteria provided, single submitter. Criteria: GeneDx Variant Classification (06012015). Collection method: clinical testing. Allele origin: germline. Affected: yes.
Comment: This variant is considered likely benign or benign based on one or more of the following criteria: it is a conservative change, it occurs at a poorly conserved position in the protein, it is predicted to be benign by multiple in silico algorithms, and/or has population frequency not consistent with disease.

NM_003036.4(SKI):c.1632C>T (p.His544=)

Gene: SKI (SKI proto-oncogene; plus strand). Cytogenetic location: 1p36.32.
Variant type: single nucleotide variant.
Coding change: c.1632C>T on transcript NM_003036.4 (MANE Select); coding-DNA position 1632, C replaced by T.
Protein change: p.His544=; no amino-acid change (histidine 544 retained).
Molecular consequence: synonymous variant.
Genome position (GRCh38, 1-based): chr1:2,304,450, C>T. VCF-style: chr1-2304450-C-T. GRCh37 (hg19) VCF-style: chr1-2235889-C-T.
Other names: p.H544H:CAC>CAT.
Identifiers: ClinVar variation 213678 (VCV000213678.17), dbSNP rs373914574, ClinGen allele CA321056.
Genomic context (GRCh38, chr1:2,304,450, plus strand): 5'-CGTCCCTGATGCTGCGGCCCCTGCCGACGCCCCCAGTGGGCTGGAGGCGGAGCTGGAGCA[C>T]CTGCGGCAGGCACTGGAGGGCGGCCTGGACACCAAGGAAGCCAAAGAGAAGTTCCTGCAT-3'
Protein context (NP_003027.1, residues 534-554): APSGLEAELE[His544=]LRQALEGGLD